The following is an entry in ClinVar:

ClinVar aggregate classification (germline): Uncertain significance (1 of 4 stars; one submission).

Conditions:
Congenital myasthenic syndrome 8. Also called: MYASTHENIC SYNDROME, CONGENITAL, DUE TO AGRIN DEFICIENCY; Myasthenic syndrome, congenital, 8, with pre- and postsynaptic defects. Identifiers: Orphanet 590, MedGen C3808739, MONDO:0014052, OMIM 615120.

Allele frequency attached by ClinVar (database versions not stated): gnomAD exomes below 0.00001.
gnomAD v4.1: 4 of 1,611,650 alleles (0.00025%); highest among the groups gnomAD compares: South Asian, 0.0044%; no homozygotes.

Submission:

Labcorp Genetics (formerly Invitae), Labcorp
Classification: Uncertain significance for Congenital myasthenic syndrome 8. Last evaluated: 2024-02-24. Review status: criteria provided, single submitter. Criteria: Invitae Variant Classification Sherloc (09022015). Collection method: clinical testing. Allele origin: germline.
Comment: This sequence change replaces alanine, which is neutral and non-polar, with threonine, which is neutral and polar, at codon 885 of the AGRN protein (p.Ala885Thr). This variant is present in population databases (no rsID available, gnomAD 0.003%). This variant has not been reported in the literature in individuals affected with AGRN-related conditions. ClinVar contains an entry for this variant (Variation ID: 1051705). Algorithms developed to predict the effect of missense changes on protein structure and function output the following: SIFT: "Not Available"; PolyPhen-2: "Possibly Damaging"; Align-GVGD: "Not Available". The threonine amino acid residue is found in multiple mammalian species, which suggests that this missense change does not adversely affect protein function. In summary, the available evidence is currently insufficient to determine the role of this variant in disease. Therefore, it has been classified as a Variant of Uncertain Significance.

NM_198576.4(AGRN):c.2653G>A (p.Ala885Thr)

Gene: AGRN (agrin; plus strand). Cytogenetic location: 1p36.33.
Variant type: single nucleotide variant.
Coding change: c.2653G>A on transcript NM_198576.4 (MANE Select); coding-DNA position 2653, G replaced by A.
Protein change: p.Ala885Thr; replaces alanine 885 with threonine.
Molecular consequence: missense variant.
Genome position (GRCh38, 1-based): chr1:1,045,849, G>A. VCF-style: chr1-1045849-G-A. GRCh37 (hg19) VCF-style: chr1-981229-G-A.
Other names: c.2653G>A, p.Ala885Thr (NM_001305275.2); c.2338G>A, p.Ala780Thr (NM_001364727.2); short protein forms A780T, A885T.
Identifiers: ClinVar variation 1051705 (VCV001051705.9), dbSNP rs1400043784, ClinGen allele CA337841863.
Genomic context (GRCh38, chr1:1,045,849, plus strand): 5'-CTGTGCTCGTGTAAGCCCGGGGTGGCTGGACCCAAGTGTGGGCAGTGTCCAGACGGCCGT[G>A]CCCTGGGCCCCGCGGGCTGTGAAGCTGGTGAGTGAGGGCCAGCGCTACCCTGGGGCTTCA-3'
Protein context (NP_940978.2, residues 875-895): PKCGQCPDGR[Ala885Thr]LGPAGCEADA